The following is an entry in ClinVar:

ClinVar aggregate classification (germline): Uncertain significance (1 of 4 stars; one submission).

Conditions:
Hereditary cancer-predisposing syndrome. Also called: Neoplastic Syndromes, Hereditary; Tumor predisposition; Hereditary neoplastic syndrome; Hereditary Cancer Syndrome. Identifiers: Orphanet 140162, MedGen C0027672, MeSH D009386, MONDO:0015356.

Allele frequency attached by ClinVar (database versions not stated): gnomAD exomes below 0.00001.

Submission:

Ambry Genetics
Classification: Uncertain significance for Hereditary cancer-predisposing syndrome. Last evaluated: 2022-12-13. Review status: criteria provided, single submitter. Criteria: Ambry Variant Classification Scheme 2023. Collection method: clinical testing. Allele origin: germline.
Comment: The p.W5C variant (also known as c.15G>T), located in coding exon 1 of the BAP1 gene, results from a G to T substitution at nucleotide position 15. The tryptophan at codon 5 is replaced by cysteine, an amino acid with highly dissimilar properties. This amino acid position is highly conserved in available vertebrate species. In addition, this alteration is predicted to be deleterious by in silico analysis. Since supporting evidence is limited at this time, the clinical significance of this alteration remains unclear.

NM_004656.4(BAP1):c.15G>T (p.Trp5Cys)

Gene: BAP1 (BRCA1 associated deubiquitinase 1; minus strand). Cytogenetic location: 3p21.1.
Variant type: single nucleotide variant.
Coding change: c.15G>T on transcript NM_004656.4 (MANE Select); coding-DNA position 15, G replaced by T.
Protein change: p.Trp5Cys; replaces tryptophan 5 with cysteine.
Molecular consequence: missense variant.
Genome position (GRCh38, 1-based): chr3:52,409,864, C>A on the plus strand (G>T on the coding strand, the complement: BAP1 is on the minus strand). VCF-style: chr3-52409864-C-A. GRCh37 (hg19) VCF-style: chr3-52443880-C-A.
Other names: c.15G>T, p.Trp5Cys (NM_001410772.1); short protein forms W5C.
Identifiers: ClinVar variation 2450422 (VCV002450422.2), dbSNP rs916069743, ClinGen allele CA74745218.